The following is an entry in ClinVar:

ClinVar aggregate classification (germline): Conflicting classifications of pathogenicity. Review status: criteria provided, conflicting classifications (1 of 4 stars). 4 submissions from 4 submitters: Uncertain significance (1); Benign (1); Likely benign (2). Last evaluated 2025-12-23.

Conditions:
Familial cancer of breast. Also called: BREAST CANCER, FAMILIAL; Hereditary breast cancer; hereditary breast carcinoma. Identifiers: Orphanet 227535, MedGen C0346153, MONDO:0016419, OMIM 114480. Disease mechanism: loss of function.
Ataxia-telangiectasia syndrome (AT). Also called: Ataxia-telangiectasia, complementation group E; Ataxia-telangiectasia, complementation group D; Ataxia telangiectasia (A-T); LOUIS-BAR SYNDROME; ATAXIA-TELANGIECTASIA, COMPLEMENTATION GROUP A; ATAXIA-TELANGIECTASIA, FRESNO VARIANT. Identifiers: Orphanet 100, MedGen C0004135, MONDO:0008840, OMIM 208900.
Hereditary cancer-predisposing syndrome. Also called: Neoplastic Syndromes, Hereditary; Hereditary Cancer Syndrome; Tumor predisposition; Hereditary neoplastic syndrome. Identifiers: Orphanet 140162, MedGen C0027672, MeSH D009386, MONDO:0015356.

Submissions (4):

Labcorp Genetics (formerly Invitae), Labcorp
Classification: Likely benign for Ataxia-telangiectasia syndrome. Last evaluated: 2025-12-23. Review status: criteria provided, single submitter. Criteria: Invitae Variant Classification Sherloc (09022015). Collection method: clinical testing. Allele origin: germline.

Myriad Genetics, Inc.
Classification: Benign for Familial cancer of breast. Last evaluated: 2024-04-24. Review status: criteria provided, single submitter. Criteria: Myriad Autosomal Dominant, Autosomal Recessive and X-Linked Classification Criteria (2023). Collection method: clinical testing. Allele origin: unknown.
Comment: This variant is considered benign. This variant is a silent/synonymous amino acid change and it is not expected to impact splicing.

Ambry Genetics
Classification: Likely benign for Hereditary cancer-predisposing syndrome. Last evaluated: 2022-12-04. Review status: criteria provided, single submitter. Criteria: Ambry Variant Classification Scheme 2023. Collection method: clinical testing. Allele origin: germline.

Department of Pathology and Laboratory Medicine, Sinai Health System
Classification: Uncertain significance for Familial cancer of breast. Last evaluated: 2022-06-02. Review status: criteria provided, single submitter. Criteria: ACMG Guidelines, 2015. Collection method: clinical testing. Allele origin: germline. Affected: yes.

NM_000051.4(ATM):c.903T>A (p.Gly301=)

Gene: ATM (ATM serine/threonine kinase; plus strand). Cytogenetic location: 11q22.3.
Variant type: single nucleotide variant.
Coding change: c.903T>A on transcript NM_000051.4 (MANE Select); coding-DNA position 903, T replaced by A.
Protein change: p.Gly301=; no amino-acid change (glycine 301 retained).
Molecular consequence: synonymous variant.
Genome position (GRCh38, 1-based): chr11:108,246,965, T>A. VCF-style: chr11-108246965-T-A. GRCh37 (hg19) VCF-style: chr11-108117692-T-A.
Other names: c.903T>A (NM_000051.1); c.903T>A, p.Gly301= (NM_001351834.2).
Identifiers: ClinVar variation 798620 (VCV000798620.13), dbSNP rs876659335, ClinGen allele CA476671493.
Genomic context (GRCh38, chr11:108,246,965, plus strand): 5'-GCTAGCAGTGTAAACAGAGTACATACATAAAAATTACATTTTAATTTTTTGGATTACAGG[T>A]GCTTATGAATCAACAAAATGGAGAAGTATTTTATACAACTTATATGATCTGCTAGTGAAT-3'
Protein context (NP_000042.3, residues 291-311): HPKGAKTQEK[Gly301=]AYESTKWRSI